The following is an entry in ClinVar:

NM_005450.6(NOG):c.551G>C (p.Cys184Ser)

Gene: NOG (noggin; plus strand). Cytogenetic location: 17q22.
Variant type: single nucleotide variant.
Coding change: c.551G>C on transcript NM_005450.6 (MANE Select); coding-DNA position 551, G replaced by C.
Protein change: p.Cys184Ser; replaces cysteine 184 with serine.
Molecular consequence: missense variant.
Genome position (GRCh38, 1-based): chr17:56,594,774, G>C. VCF-style: chr17-56594774-G-C. GRCh37 (hg19) VCF-style: chr17-54672135-G-C.
Other names: short protein forms C184S.
Identifiers: ClinVar variation 3642991 (VCV003642991.2).

ClinVar aggregate classification (germline): Pathogenic (1 of 4 stars; one submission).

Submission:

Labcorp Genetics (formerly Invitae), Labcorp
Classification: Pathogenic. Last evaluated: 2024-04-10. Review status: criteria provided, single submitter. Criteria: Invitae Variant Classification Sherloc (09022015). Collection method: clinical testing. Allele origin: germline.
Comment: This sequence change replaces cysteine, which is neutral and slightly polar, with serine, which is neutral and polar, at codon 184 of the NOG protein (p.Cys184Ser). This variant is not present in population databases (gnomAD no frequency). This missense change has been observed in individual(s) with NOG-related conditions (Invitae). In at least one individual the variant was observed to be de novo. An algorithm developed to predict the effect of missense changes on protein structure and function (PolyPhen-2) suggests that this variant is likely to be disruptive. This variant disrupts the p.Cys184 amino acid residue in NOG. Other variant(s) that disrupt this residue have been observed in individuals with NOG-related conditions (PMID: 11846737, 22288654), which suggests that this may be a clinically significant amino acid residue. For these reasons, this variant has been classified as Pathogenic.

Literature cited by the submitters: PubMed 11846737; PubMed 22288654.